The following is an entry in ClinVar:

ClinVar aggregate classification (germline): Uncertain significance. Review status: criteria provided, multiple submitters, no conflicts (2 of 4 stars). 2 submissions from 2 submitters: Uncertain significance (2). Last evaluated 2025-03-05.

Conditions:
ACACB-related disorder. Also called: ACACB-related condition.

gnomAD v4.1: 25 of 1,614,066 alleles (0.0015%); highest among the groups gnomAD compares: African/African-American, 0.0053%; 1 homozygote.

Submissions (2):

PreventionGenetics, part of Exact Sciences
Classification: Uncertain significance for ACACB-related condition. Last evaluated: 2025-03-05. Review status: criteria provided, single submitter. Criteria: ACMG Guidelines, 2015. Collection method: clinical testing. Allele origin: germline.
Comment: The ACACB c.4753G>A variant is predicted to result in the amino acid substitution p.Val1585Met. To our knowledge, this variant has not been reported in the literature. This variant is reported in 0.0018% of alleles in individuals of European (Non-Finnish) descent in gnomAD. At this time, the clinical significance of this variant is uncertain due to the absence of conclusive functional and genetic evidence.

Ambry Genetics
Classification: Uncertain significance. Last evaluated: 2024-07-30. Review status: criteria provided, single submitter. Criteria: Ambry Variant Classification Scheme 2023. Collection method: clinical testing. Allele origin: germline.

NM_001093.4(ACACB):c.4753G>A (p.Val1585Met)

Gene: ACACB (acetyl-CoA carboxylase beta; plus strand). Cytogenetic location: 12q24.11.
Variant type: single nucleotide variant.
Coding change: c.4753G>A on transcript NM_001093.4 (MANE Select); coding-DNA position 4753, G replaced by A.
Protein change: p.Val1585Met; replaces valine 1585 with methionine.
Molecular consequence: missense variant.
Genome position (GRCh38, 1-based): chr12:109,239,920, G>A. VCF-style: chr12-109239920-G-A. GRCh37 (hg19) VCF-style: chr12-109677725-G-A.
Other names: c.4753G>A, p.Val1585Met (NM_001412734.1, NM_001412735.1); c.4147G>A, p.Val1383Met (NM_001412736.1, NM_001412739.1); c.4126G>A, p.Val1376Met (NM_001412737.1); c.3958G>A, p.Val1320Met (NM_001412738.1); short protein forms V1320M, V1376M, V1383M, V1585M.
Identifiers: ClinVar variation 3459344 (VCV003459344.2).